The following is an entry in ClinVar:

ClinVar aggregate classification (germline): Conflicting classifications of pathogenicity. Review status: criteria provided, conflicting classifications (1 of 4 stars). 4 submissions from 4 submitters: Likely pathogenic (1); Uncertain significance (2). 1 of the submissions does not count toward it. Last evaluated 2025-11-07.

Conditions:
CERKL-related disorders.
Retinitis pigmentosa 26 (RP26). Identifiers: Orphanet 791, MedGen C1842127, MONDO:0012024, OMIM 608380.

Allele frequency attached by ClinVar (database versions not stated): gnomAD 0.00001; TOPMed 0.00002; ExAC 0.00003; gnomAD exomes 0.00003.
gnomAD v4.1: 41 of 1,608,612 alleles (0.0025%); highest among the groups gnomAD compares: Middle Eastern, 0.033%; no homozygotes.

Submissions (4):

Labcorp Genetics (formerly Invitae), Labcorp
Classification: Uncertain significance. Last evaluated: 2025-11-07. Review status: criteria provided, single submitter. Criteria: Invitae Variant Classification Sherloc (09022015). Collection method: clinical testing. Allele origin: germline.
Comment: This sequence change replaces aspartic acid, which is acidic and polar, with asparagine, which is neutral and polar, at codon 526 of the CERKL protein (p.Asp526Asn). This variant is present in population databases (rs771072583, gnomAD 0.02%). This variant has not been reported in the literature in individuals affected with CERKL-related conditions. ClinVar contains an entry for this variant (Variation ID: 809116). Invitae Evidence Modeling of protein sequence and biophysical properties (such as structural, functional, and spatial information, amino acid conservation, physicochemical variation, residue mobility, and thermodynamic stability) indicates that this missense variant is expected to disrupt CERKL protein function with a positive predictive value of 95%. In summary, the available evidence is currently insufficient to determine the role of this variant in disease. Therefore, it has been classified as a Variant of Uncertain Significance.

Blueprint Genetics
Classification: Likely pathogenic for CERKL-related disorders. Last evaluated: 2024-09-05. Review status: criteria provided, single submitter. Criteria: ACMG Guidelines, 2015. Collection method: clinical testing. Allele origin: germline. Affected: yes. Observed: 5 variant alleles.

CeGaT Center for Human Genetics Tuebingen
Classification: Uncertain significance. Last evaluated: 2022-01-01. Review status: criteria provided, single submitter. Criteria: CeGaT Center For Human Genetics Tuebingen Variant Classification Criteria Version 2. Collection method: clinical testing. Allele origin: germline. Affected: yes. Observed: 1 variant allele.

Natera, Inc.
Classification: Uncertain significance for Retinitis Pigmentosa 26. Last evaluated: 2020-02-21. Review status: no assertion criteria provided. Collection method: clinical testing. Allele origin: germline. Not counted in ClinVar's aggregate classification.

NM_201548.5(CERKL):c.1498G>A (p.Asp500Asn)

Gene: CERKL (CERK like autophagy regulator; minus strand). Cytogenetic location: 2q31.3.
Variant type: single nucleotide variant.
Coding change: c.1498G>A on transcript NM_201548.5 (MANE Select); coding-DNA position 1498, G replaced by A.
Protein change: p.Asp500Asn; replaces aspartic acid 500 with asparagine.
Molecular consequence: missense variant. On other transcripts: non-coding transcript variant (2).
Genome position (GRCh38, 1-based): chr2:181,539,132, C>T on the plus strand (G>A on the coding strand, the complement: CERKL is on the minus strand). VCF-style: chr2-181539132-C-T. GRCh37 (hg19) VCF-style: chr2-182403859-C-T.
Other names: c.1576G>A, p.Asp526Asn (NM_001030311.3); c.1159G>A, p.Asp387Asn (NM_001030312.3); c.1291G>A, p.Asp431Asn (NM_001030313.3); c.1444G>A, p.Asp482Asn (NM_001160277.2); short protein forms D387N, D482N, D431N, D526N, D500N.
Identifiers: ClinVar variation 809116 (VCV000809116.46), dbSNP rs771072583, ClinGen allele CA2010410.
Genomic context (GRCh38, chr2:181,539,132, plus strand): 5'-GGTGAAATAAATAGACTTACCTAATATGGACCTCTGATGCAACTTCCATTAAGTCACCAT[C>T]TACATTCCAAGGGAAACAATTTTCTGAAGCAGTTTCATCCTCCTCCTCCTCTGGATTATA-3'
Protein context (NP_963842.1, residues 490-510): ASENCFPWNV[Asp500Asn]GDLMEVASEV